The following is an entry in ClinVar:

ClinVar aggregate classification (germline): Pathogenic/Likely pathogenic. Review status: criteria provided, multiple submitters, no conflicts (2 of 4 stars). 7 submissions from 7 submitters: Pathogenic (6); Likely pathogenic (1). Last evaluated 2026-01-04.

Conditions:
DBT-related disorder. Also called: DBT-related condition.
Maple syrup urine disease type 1A (MSUD1A). Also called: MSUD type 1A. Identifiers: MedGen C1855369, MONDO:0023691, OMIM 248600.
Maple syrup urine disease (MSUD). Identifiers: Orphanet 511, MedGen C0024776, MeSH D008375, MONDO:0009563. Disease mechanism: loss of function.

Allele frequency attached by ClinVar (database versions not stated): ExAC 0.00001; gnomAD 0.00001; TOPMed 0.00001; gnomAD exomes 0.00002 and 0.00006.

Submissions (7):

Labcorp Genetics (formerly Invitae), Labcorp
Classification: Pathogenic for Maple syrup urine disease. Last evaluated: 2026-01-04. Review status: criteria provided, single submitter. Criteria: Invitae Variant Classification Sherloc (09022015). Collection method: clinical testing. Allele origin: germline.
Comment: This sequence change falls in intron 4 of the DBT gene. It does not directly change the encoded amino acid sequence of the DBT protein. RNA analysis indicates that this variant induces altered splicing and may result in an absent or altered protein product. This variant is present in population databases (rs727503895, gnomAD 0.009%). This variant has been observed in individual(s) with maple syrup urine disease (PMID: 9239422). In at least one individual the data is consistent with being in trans (on the opposite chromosome) from a pathogenic variant. This variant is also known as IVS4del[-15:-4]. ClinVar contains an entry for this variant (Variation ID: 166983). Studies have shown that this variant results in the insertion of 10 base pairs between exons 4 and 5 in the spliced mRNA, and produces a non-functional protein and/or introduces a premature termination codon (PMID: 9239422). For these reasons, this variant has been classified as Pathogenic.

Mayo Clinic Laboratories, Mayo Clinic
Classification: Pathogenic. Last evaluated: 2025-05-27. Review status: criteria provided, single submitter. Criteria: ACMG Guidelines, 2015. Collection method: clinical testing. Allele origin: germline. Observed: 1 variant allele.
Comment: PP4, PM2_supporting, PM3_strong, PVS1

GeneDx
Classification: Pathogenic. Last evaluated: 2024-03-08. Review status: criteria provided, single submitter. Criteria: GeneDx Variant Classification Process June 2021. Collection method: clinical testing. Allele origin: germline. Affected: yes.
Comment: Identified in trans with a second DBT variant in patients with MSUD (PMID: 9239422, 34069211); Non-canonical splice site variant demonstrated to result in loss of function (PMID: 9239422); Not observed at significant frequency in large population cohorts (gnomAD); This variant is associated with the following publications: (PMID: Balasubramaniam2021[abstract], 9239422, 34069211)

PreventionGenetics, part of Exact Sciences
Classification: Pathogenic for DBT-related condition. Last evaluated: 2023-09-18. Review status: criteria provided, single submitter. Criteria: ACMG Guidelines, 2015. Collection method: clinical testing. Allele origin: germline.
Comment: The DBT c.434-15_434-4del12 variant is predicted to result in an intronic deletion. This variant was reported in the compound heterozygous state with a second DBT variant in two individuals with maple syrup urine disease type II (described as IVS4del[-15:-4] in Chuang et al. 1997. PubMed ID: 9239422; Sajeev et al. 2021. PubMed ID: 34069211). In RT-PCR studies, this variant led to aberrant splicing (Chuang et al. 1997. PubMed ID: 9239422). This variant is reported in 0.0087% of alleles in individuals of Latino descent in gnomAD. This variant is interpreted as pathogenic.

3billion
Classification: Likely pathogenic for Maple syrup urine disease type 1A. Last evaluated: 2023-07-31. Review status: criteria provided, single submitter. Criteria: ACMG Guidelines, 2015. Collection method: clinical testing. Allele origin: germline. Affected: yes.
Comment: The variant is observed at an extremely low frequency in the gnomAD v2.1.1 dataset (total allele frequency: 0.002%). Predicted Consequence/Location: Intron variant Functional studies provide moderate evidence of the variant having a damaging effect on the gene or gene product (PMID: 9239422). In silico tools predict the variant to alter splicing and produce an abnormal transcript (SpliceAI: 0.97). The variant has been reported to be in trans with a pathogenic variant as either compound heterozygous or homozygous in at least one similarly affected unrelated individual (PMID: 9239422). The variant has been reported at least twice as pathogenic without evidence for the classification (ClinVar ID: VCV000166983 /PMID: 9239422 /3billion dataset). Therefore, this variant is classified as Likely pathogenic according to the recommendation of ACMG/AMP guideline.

Genome-Nilou Lab
Classification: Pathogenic for Maple syrup urine disease type 1A. Last evaluated: 2023-04-11. Review status: criteria provided, single submitter. Criteria: ACMG Guidelines, 2015. Collection method: clinical testing. Allele origin: germline. Affected: no.

Eurofins Ntd Llc (ga)
Classification: Pathogenic. Last evaluated: 2014-02-24. Review status: criteria provided, single submitter. Criteria: EGL Classification Definitions. Collection method: clinical testing. Allele origin: germline. Observed: 1 variant allele, 1 heterozygote.

Literature cited by the submitters: PubMed 9239422 (cited by 3 submitters); PubMed 34069211 (cited by Mayo Clinic Laboratories, Mayo Clinic); PubMed 39519275 (cited by Mayo Clinic Laboratories, Mayo Clinic).

NM_001918.5(DBT):c.434-15_434-4del

Gene: DBT (dihydrolipoamide branched chain transacylase E2; minus strand). Cytogenetic location: 1p21.2.
Variant type: Deletion.
Coding change: c.434-15_434-4del on transcript NM_001918.5 (MANE Select); 15 bases into the intron before coding-DNA position 434 through 4 bases into the intron before coding-DNA position 434, 12 bases deleted (TTACCTTGTTAC).
Molecular consequence: intron variant.
Genome position (GRCh38, 1-based): chr1:100,218,751-100,218,762, GTAACAAGGTAA deleted on the plus strand (TTACCTTGTTAC on the coding strand, the reverse complement: DBT is on the minus strand). VCF-style (leftmost placement, unchanged base first): chr1-100218750-GGTAACAAGGTAA-G. GRCh37 (hg19) VCF-style: chr1-100684306-GGTAACAAGGTAA-G.
Other names: p.?; c.434-15_434-4del12 (NM_001918.3); c.434-15_434-4del (NM_001918.4).
Identifiers: ClinVar variation 166983 (VCV000166983.21), dbSNP rs727503895, ClinGen allele CA233878.